The following is an entry in ClinVar:

NM_001698.3(AUH):c.150G>A (p.Trp50Ter)

Genes: AUH (AU RNA binding methylglutaconyl-CoA hydratase; minus strand), LOC130002059 (ATAC-STARR-seq lymphoblastoid silent region 20025; plus strand). Cytogenetic location: 9q22.31.
Variant type: single nucleotide variant.
Coding change: c.150G>A on transcript NM_001698.3 (MANE Select); coding-DNA position 150, G replaced by A.
Protein change: p.Trp50Ter; replaces tryptophan 50 with a stop codon.
Molecular consequence: nonsense. On other transcripts: 5 prime UTR variant (3).
Genome position (GRCh38, 1-based): chr9:91,361,740, C>T on the plus strand (G>A on the coding strand, the complement: AUH is on the minus strand). VCF-style: chr9-91361740-C-T. GRCh37 (hg19) VCF-style: chr9-94124022-C-T.
Other names: p.Trp50*; c.150G>A, p.Trp50Ter (NM_001306190.2); c.-248G>A (NM_001351431.2, NM_001351433.2); c.-340G>A (NM_001351432.2); short protein forms W50*.
Identifiers: ClinVar variation 810388 (VCV000810388.48), dbSNP rs1587943560, ClinGen allele CA373836408.
Genomic context (GRCh38, chr9:91,361,740, plus strand): 5'-CTCAGAGCTGTAGCCCCTTTTCGGGGCGGGACCCCCGGCCGCAGGTACCCAGCCCTGGGC[C>T]CAGATCGCCGGGCCCGCTCGCCGGCCTGCCAACGAGCCGGGCAGCCTCAACCCCGGGCAG-3'

ClinVar aggregate classification (germline): Likely pathogenic. Review status: criteria provided, multiple submitters, no conflicts (2 of 4 stars). 3 submissions from 3 submitters: Likely pathogenic (3). Last evaluated 2025-03-12.

Conditions:
AUH-related disorder. Also called: AUH-related condition.

Submissions (3):

PreventionGenetics, part of Exact Sciences
Classification: Likely pathogenic for AUH-related condition. Last evaluated: 2025-03-12. Review status: criteria provided, single submitter. Criteria: ACMG Guidelines, 2015. Collection method: clinical testing. Allele origin: germline.
Comment: The AUH c.150G>A variant is predicted to result in premature protein termination (p.Trp50*). To our knowledge, this variant has not been reported in the literature or in a large population database (gnomAD), indicating this variant is rare. Nonsense variants in AUH are expected to be pathogenic. This variant is interpreted as likely pathogenic.

Mayo Clinic Laboratories, Mayo Clinic
Classification: Likely pathogenic. Last evaluated: 2022-01-24. Review status: criteria provided, single submitter. Criteria: ACMG Guidelines, 2015. Collection method: clinical testing. Allele origin: germline.
Comment: PM2, PVS1

CeGaT Center for Human Genetics Tuebingen
Classification: Likely pathogenic. Last evaluated: 2016-06-01. Review status: criteria provided, single submitter. Criteria: CeGaT Center For Human Genetics Tuebingen Variant Classification Criteria Version 2. Collection method: clinical testing. Allele origin: germline. Affected: yes. Observed: 1 variant allele.